The following is an entry in ClinVar:

NM_173354.5(SIK1):c.2123T>C (p.Leu708Pro)

Gene: SIK1 (salt inducible kinase 1; minus strand). Cytogenetic location: 21q22.3.
Variant type: single nucleotide variant.
Coding change: c.2123T>C on transcript NM_173354.5 (MANE Select); coding-DNA position 2123, T replaced by C.
Protein change: p.Leu708Pro; replaces leucine 708 with proline.
Molecular consequence: missense variant.
Genome position (GRCh38, 1-based): chr21:43,416,971, A>G on the plus strand (T>C on the coding strand, the complement: SIK1 is on the minus strand). VCF-style: chr21-43416971-A-G. GRCh37 (hg19) VCF-style: chr21-44836851-A-G.
Other names: short protein forms L708P.
Identifiers: ClinVar variation 2040291 (VCV002040291.4), dbSNP rs2516963847, ClinGen allele CA410606609.

ClinVar aggregate classification (germline): Uncertain significance (1 of 4 stars; one submission).

Conditions:
Developmental and epileptic encephalopathy, 30 (DEE30). Also called: Epileptic encephalopathy, early infantile, 30. Identifiers: MedGen C4225360, MONDO:0014595, OMIM 616341.

Submission:

Labcorp Genetics (formerly Invitae), Labcorp
Classification: Uncertain significance for Developmental and epileptic encephalopathy, 30. Last evaluated: 2021-12-12. Review status: criteria provided, single submitter. Criteria: Invitae Variant Classification Sherloc (09022015). Collection method: clinical testing. Allele origin: germline.
Comment: In summary, the available evidence is currently insufficient to determine the role of this variant in disease. Therefore, it has been classified as a Variant of Uncertain Significance. Advanced modeling of protein sequence and biophysical properties (such as structural, functional, and spatial information, amino acid conservation, physicochemical variation, residue mobility, and thermodynamic stability) performed at Invitae indicates that this missense variant is not expected to disrupt SIK1 protein function. This variant has not been reported in the literature in individuals affected with SIK1-related conditions. This variant is not present in population databases (gnomAD no frequency). This sequence change replaces leucine, which is neutral and non-polar, with proline, which is neutral and non-polar, at codon 708 of the SIK1 protein (p.Leu708Pro).